The following is an entry in ClinVar:

ClinVar aggregate classification (germline): Uncertain significance. Review status: criteria provided, multiple submitters, no conflicts (2 of 4 stars). 2 submissions from 2 submitters: Uncertain significance (2). Last evaluated 2025-10-12.

Conditions:
Long QT syndrome (LQTS). Identifiers: MedGen C0023976, MeSH D008133, MONDO:0002442. Disease mechanism: loss of function. Inheritance: Various modes of inheritance.

Allele frequency attached by ClinVar (database versions not stated): gnomAD exomes below 0.00001.

Submissions (2):

Labcorp Genetics (formerly Invitae), Labcorp
Classification: Uncertain significance for Long QT syndrome. Last evaluated: 2025-10-12. Review status: criteria provided, single submitter. Criteria: Invitae Variant Classification Sherloc (09022015). Collection method: clinical testing. Allele origin: germline.
Comment: This sequence change replaces serine, which is neutral and polar, with phenylalanine, which is neutral and non-polar, at codon 631 of the KCNH2 protein (p.Ser631Phe). This variant is not present in population databases (gnomAD no frequency). This variant has not been reported in the literature in individuals affected with KCNH2-related conditions. ClinVar contains an entry for this variant (Variation ID: 456898). An algorithm developed to predict the effect of missense changes on protein structure and function (PolyPhen-2) suggests that this variant is likely to be disruptive. In summary, the available evidence is currently insufficient to determine the role of this variant in disease. Therefore, it has been classified as a Variant of Uncertain Significance.

GeneDx
Classification: Uncertain significance. Last evaluated: 2019-05-31. Review status: criteria provided, single submitter. Criteria: GeneDx Variant Classification Process June 2021. Collection method: clinical testing. Allele origin: germline. Affected: yes.
Comment: Has not been previously published as pathogenic or benign to our knowledge; Not observed in large population cohorts (Lek et al., 2016); In silico analysis, which includes protein predictors and evolutionary conservation, supports a deleterious effect

NM_000238.4(KCNH2):c.1892C>T (p.Ser631Phe)

Gene: KCNH2 (potassium voltage-gated channel subfamily H member 2; minus strand). Cytogenetic location: 7q36.1.
Variant type: single nucleotide variant.
Coding change: c.1892C>T on transcript NM_000238.4 (MANE Select); coding-DNA position 1892, C replaced by T.
Protein change: p.Ser631Phe; replaces serine 631 with phenylalanine.
Molecular consequence: missense variant.
Genome position (GRCh38, 1-based): chr7:150,951,501, G>A on the plus strand (C>T on the coding strand, the complement: KCNH2 is on the minus strand). VCF-style: chr7-150951501-G-A. GRCh37 (hg19) VCF-style: chr7-150648589-G-A.
Other names: c.872C>T, p.Ser291Phe (NM_001204798.2, NM_172057.3); c.1604C>T, p.Ser535Phe (NM_001406753.1, NM_001406756.1); c.1715C>T, p.Ser572Phe (NM_001406755.1); c.1592C>T, p.Ser531Phe (NM_001406757.1); c.1892C>T, p.Ser631Phe (NM_172056.3); c.1892C>T (NM_000238.2); short protein forms S631F, S291F, S572F, S531F, S535F.
Identifiers: ClinVar variation 456898 (VCV000456898.13), dbSNP rs1554425720, ClinGen allele CA369857889.
Genomic context (GRCh38, chr7:150,951,501, plus strand): 5'-CACTCACAGCCAATGAGCATGACGCAGATGGAGAAGATCTTCTCTGAGTTGGTGTTGGGA[G>A]AGACGTTGCCGAAGCCCACACTGGTGAGGCTGCTGAAGGTGAAGTAGAGCGCCGTCACAT-3'
Protein context (NP_000229.1, residues 621-641): SLTSVGFGNV[Ser631Phe]PNTNSEKIFS